The following is an entry in ClinVar:

NM_205768.3(ZBTB18):c.104G>A (p.Cys35Tyr)

Gene: ZBTB18 (zinc finger and BTB domain containing 18; plus strand). Cytogenetic location: 1q44.
Variant type: single nucleotide variant.
Coding change: c.104G>A on transcript NM_205768.3 (MANE Select); coding-DNA position 104, G replaced by A.
Protein change: p.Cys35Tyr; replaces cysteine 35 with tyrosine.
Molecular consequence: missense variant.
Genome position (GRCh38, 1-based): chr1:244,053,878, G>A. VCF-style: chr1-244053878-G-A. GRCh37 (hg19) VCF-style: chr1-244217180-G-A.
Other names: c.77G>A, p.Cys26Tyr (NM_001278196.2, NM_006352.5); short protein forms C26Y, C35Y.
Identifiers: ClinVar variation 1809925 (VCV001809925.4), dbSNP rs2527554761, ClinGen allele CA345672143.

ClinVar aggregate classification (germline): Uncertain significance. Review status: criteria provided, multiple submitters, no conflicts (2 of 4 stars). 2 submissions from 2 submitters: Uncertain significance (2). Last evaluated 2024-01-29.

Submissions (2):

Labcorp Genetics (formerly Invitae), Labcorp
Classification: Uncertain significance. Last evaluated: 2024-01-29. Review status: criteria provided, single submitter. Criteria: Invitae Variant Classification Sherloc (09022015). Collection method: clinical testing. Allele origin: germline.
Comment: This sequence change replaces cysteine, which is neutral and slightly polar, with tyrosine, which is neutral and polar, at codon 35 of the ZBTB18 protein (p.Cys35Tyr). This variant is not present in population databases (gnomAD no frequency). This variant has not been reported in the literature in individuals affected with ZBTB18-related conditions. ClinVar contains an entry for this variant (Variation ID: 1809925). An algorithm developed to predict the effect of missense changes on protein structure and function (PolyPhen-2) suggests that this variant is likely to be disruptive. In summary, the available evidence is currently insufficient to determine the role of this variant in disease. Therefore, it has been classified as a Variant of Uncertain Significance.

GeneDx
Classification: Uncertain significance. Last evaluated: 2022-06-28. Review status: criteria provided, single submitter. Criteria: GeneDx Variant Classification Process June 2021. Collection method: clinical testing. Allele origin: germline. Affected: yes.
Comment: Not observed at significant frequency in large population cohorts (gnomAD); In silico analysis supports that this missense variant has a deleterious effect on protein structure/function; Has not been previously published as pathogenic or benign to our knowledge